The following is an entry in ClinVar:

ClinVar aggregate classification (germline): Uncertain significance. Review status: criteria provided, multiple submitters, no conflicts (2 of 4 stars). 2 submissions from 2 submitters: Uncertain significance (2). Last evaluated 2025-11-24.

Conditions:
Hajdu-Cheney syndrome (HJCYS). Also called: SERPENTINE FIBULA-POLYCYSTIC KIDNEY SYNDROME; Acroosteolysis dominant type; ACROOSTEOLYSIS WITH OSTEOPOROSIS AND CHANGES IN SKULL AND MANDIBLE. Identifiers: Orphanet 955, MedGen C0917715, MONDO:0007057, OMIM 102500.
Inborn genetic diseases. Identifiers: MedGen C0950123, MeSH D030342.

gnomAD v4.1: 1 of 1,613,830 alleles (0.000062%); highest among the groups gnomAD compares: Non-Finnish European, 0.000085%; no homozygotes.

Submissions (2):

Ambry Genetics
Classification: Uncertain significance for Inborn genetic diseases. Last evaluated: 2025-11-24. Review status: criteria provided, single submitter. Criteria: Ambry Variant Classification Scheme 2023. Collection method: clinical testing. Allele origin: germline.

Labcorp Genetics (formerly Invitae), Labcorp
Classification: Uncertain significance for Hajdu-Cheney syndrome. Last evaluated: 2021-12-23. Review status: criteria provided, single submitter. Criteria: Invitae Variant Classification Sherloc (09022015). Collection method: clinical testing. Allele origin: germline.
Comment: In summary, the available evidence is currently insufficient to determine the role of this variant in disease. Therefore, it has been classified as a Variant of Uncertain Significance. Advanced modeling of protein sequence and biophysical properties (such as structural, functional, and spatial information, amino acid conservation, physicochemical variation, residue mobility, and thermodynamic stability) performed at Invitae indicates that this missense variant is not expected to disrupt NOTCH2 protein function. This variant has not been reported in the literature in individuals affected with NOTCH2-related conditions. This variant is not present in population databases (gnomAD no frequency). This sequence change replaces serine, which is neutral and polar, with threonine, which is neutral and polar, at codon 2237 of the NOTCH2 protein (p.Ser2237Thr).

NM_024408.4(NOTCH2):c.6710G>C (p.Ser2237Thr)

Gene: NOTCH2 (notch receptor 2; minus strand). Cytogenetic location: 1p12.
Variant type: single nucleotide variant.
Coding change: c.6710G>C on transcript NM_024408.4 (MANE Select); coding-DNA position 6710, G replaced by C.
Protein change: p.Ser2237Thr; replaces serine 2237 with threonine.
Molecular consequence: missense variant.
Genome position (GRCh38, 1-based): chr1:119,916,012, C>G on the plus strand (G>C on the coding strand, the complement: NOTCH2 is on the minus strand). VCF-style: chr1-119916012-C-G. GRCh37 (hg19) VCF-style: chr1-120458635-C-G.
Other names: c.6710G>C (NM_024408.3); short protein forms S2237T.
Identifiers: ClinVar variation 1951980 (VCV001951980.6), dbSNP rs745948430, ClinGen allele CA341876432.
Genomic context (GRCh38, chr1:119,916,012, plus strand): 5'-ATGCGGTTCATCCAATCTGCTGGGACTGGGACTGGATGGAGCCTACTCAAGCTTCCAGCA[C>G]TGCCACTGCCTGGAGACACAATGTGGTGGTGGGATAGCAACTGGCTCACTGAGGGAAGCA-3'
Protein context (NP_077719.2, residues 2227-2247): HHHIVSPGSG[Ser2237Thr]AGSLSRLHPV